The following is an entry in ClinVar:

NM_001042492.3(NF1):c.7002T>G (p.Gly2334=)

Gene: NF1 (neurofibromin 1; plus strand). Cytogenetic location: 17q11.2.
Variant type: single nucleotide variant.
Coding change: c.7002T>G on transcript NM_001042492.3 (MANE Select); coding-DNA position 7002, T replaced by G.
Protein change: p.Gly2334=; no amino-acid change (glycine 2334 retained).
Molecular consequence: synonymous variant.
Genome position (GRCh38, 1-based): chr17:31,340,585, T>G. VCF-style: chr17-31340585-T-G. GRCh37 (hg19) VCF-style: chr17-29667603-T-G.
Other names: c.6939T>G, p.Gly2313= (NM_000267.4).
Identifiers: ClinVar variation 2104018 (VCV002104018.4), dbSNP rs2151561786, ClinGen allele CA499235302.

ClinVar aggregate classification (germline): Uncertain significance (1 of 4 stars; one submission).

Conditions:
Neurofibromatosis, type 1 (NF1). Also called: Peripheral type neurofibromatosis; NEUROFIBROMATOSIS, TYPE I, SOMATIC; VON RECKLINGHAUSEN DISEASE; Neurofibromatosis, type I. Identifiers: Orphanet 636, MedGen C0027831, MONDO:0018975, OMIM 162200. Disease mechanism: loss of function.

Submission:

Labcorp Genetics (formerly Invitae), Labcorp
Classification: Uncertain significance for Neurofibromatosis, type 1. Last evaluated: 2022-12-06. Review status: criteria provided, single submitter. Criteria: Invitae Variant Classification Sherloc (09022015). Collection method: clinical testing. Allele origin: germline.
Comment: In summary, the available evidence is currently insufficient to determine the role of this variant in disease. Therefore, it has been classified as a Variant of Uncertain Significance. Algorithms developed to predict the effect of sequence changes on RNA splicing suggest that this variant may disrupt the consensus splice site. This variant has not been reported in the literature in individuals affected with NF1-related conditions. This variant is not present in population databases (gnomAD no frequency). This sequence change affects codon 2313 of the NF1 mRNA. It is a 'silent' change, meaning that it does not change the encoded amino acid sequence of the NF1 protein.